The following is an entry in ClinVar:

NM_000019.4(ACAT1):c.375_376del (p.Ala127fs)

Gene: ACAT1 (acetyl-CoA acetyltransferase 1; plus strand). Cytogenetic location: 11q22.3.
Variant type: Deletion.
Coding change: c.375_376del on transcript NM_000019.4 (MANE Select); coding-DNA positions 375 to 376, 2 bases deleted (TT; older notation c.375_376delTT).
Protein change: p.Ala127fs; shifts the reading frame from alanine 127.
Molecular consequence: frameshift variant. On other transcripts: non-coding transcript variant (1), intron variant (1).
Genome position (GRCh38, 1-based): chr11:108,135,182-108,135,183, TT deleted; deleting any 2 consecutive bases within chr11:108,135,181-108,135,183 gives the same sequence; the c. name uses the placement nearest the transcript's 3' end. VCF-style (leftmost placement, unchanged base first): chr11-108135180-GTT-G. GRCh37 (hg19) VCF-style: chr11-108005907-GTT-G.
Other names: c.375_376del, p.Ala127fs (NM_001386677.1); c.78_79del, p.Ala28fs (NM_001386679.1); c.105_106del, p.Ala37fs (NM_001386681.1, NM_001386682.1, NM_001386685.1 and 6 more transcripts); c.120+3228_120+3229del (NM_001386678.1); c.375_376del (NM_000019.3); short protein forms A28fs, A37fs, A127fs.
Identifiers: ClinVar variation 1988079 (VCV001988079.5), dbSNP rs774418317, ClinGen allele CA6263100.

ClinVar aggregate classification (germline): Pathogenic/Likely pathogenic. Review status: criteria provided, multiple submitters, no conflicts (2 of 4 stars). 2 submissions from 2 submitters: Pathogenic (1); Likely pathogenic (1). Last evaluated 2025-10-21.

Conditions:
Deficiency of acetyl-CoA acetyltransferase. Also called: 3-KETOTHIOLASE DEFICIENCY; 3-OXOTHIOLASE DEFICIENCY; Beta-ketothiolase deficiency; MITOCHONDRIAL ACETOACETYL-CoA THIOLASE DEFICIENCY. Identifiers: Orphanet 134, MedGen C1536500, MONDO:0008760, OMIM 203750. Disease mechanism: loss of function.

Submissions (2):

Natera, Inc.
Classification: Likely pathogenic for Alpha-methylacetoacetic aciduria. Last evaluated: 2025-10-21. Review status: criteria provided, single submitter. Criteria: Natera Variant Classification Schema (03/2026). Collection method: clinical testing. Allele origin: germline.
Comment: The c.375_376del variant in ACAT1 is a frameshift variant predicted to shift the reading frame beginning at codon 127 and leads to a stop codon 49 codons downstream. This variant is expected to result in nonsense mediated decay, truncation, or a dysfunctional protein product. This variant is rare in the general population with a frequency below the threshold expected for the associated phenotype(s). Given the available evidence, this variant is classified as Likely Pathogenic.

Labcorp Genetics (formerly Invitae), Labcorp
Classification: Pathogenic for Deficiency of acetyl-CoA acetyltransferase. Last evaluated: 2023-08-14. Review status: criteria provided, single submitter. Criteria: Invitae Variant Classification Sherloc (09022015). Collection method: clinical testing. Allele origin: germline.
Comment: For these reasons, this variant has been classified as Pathogenic. ClinVar contains an entry for this variant (Variation ID: 1988079). This variant has not been reported in the literature in individuals affected with ACAT1-related conditions. This variant is present in population databases (rs774418317, gnomAD 0.003%). This sequence change creates a premature translational stop signal (p.Ala127Phefs*49) in the ACAT1 gene. It is expected to result in an absent or disrupted protein product. Loss-of-function variants in ACAT1 are known to be pathogenic (PMID: 7749408).

Literature cited by the submitters: PubMed 7749408 (cited by Labcorp Genetics (formerly Invitae), Labcorp).